The following is an entry in ClinVar:

ClinVar aggregate classification (germline): Uncertain significance (1 of 4 stars; one submission).

Allele frequency attached by ClinVar (database versions not stated): ExAC 0.00001; gnomAD 0.00001.

Submission:

Labcorp Genetics (formerly Invitae), Labcorp
Classification: Uncertain significance. Last evaluated: 2025-07-29. Review status: criteria provided, single submitter. Criteria: Invitae Variant Classification Sherloc (09022015). Collection method: clinical testing. Allele origin: germline.
Comment: This sequence change affects codon 327 of the CLCN7 mRNA. It is a 'silent' change, meaning that it does not change the encoded amino acid sequence of the CLCN7 protein. It affects a nucleotide within the consensus splice site. This variant is present in population databases (rs776917548, gnomAD 0.006%). This variant has not been reported in the literature in individuals affected with CLCN7-related conditions. ClinVar contains an entry for this variant (Variation ID: 1430535). Algorithms developed to predict the effect of sequence changes on RNA splicing suggest that this variant is not likely to affect RNA splicing. In summary, the available evidence is currently insufficient to determine the role of this variant in disease. Therefore, it has been classified as a Variant of Uncertain Significance.

NM_001287.6(CLCN7):c.981C>T (p.Ile327=)

Gene: CLCN7 (chloride voltage-gated channel 7; minus strand). Cytogenetic location: 16p13.3.
Variant type: single nucleotide variant.
Coding change: c.981C>T on transcript NM_001287.6 (MANE Select); coding-DNA position 981, C replaced by T.
Protein change: p.Ile327=; no amino-acid change (isoleucine 327 retained).
Molecular consequence: synonymous variant.
Genome position (GRCh38, 1-based): chr16:1,455,731, G>A on the plus strand (C>T on the coding strand, the complement: CLCN7 is on the minus strand). VCF-style: chr16-1455731-G-A. GRCh37 (hg19) VCF-style: chr16-1505732-G-A.
Other names: c.909C>T, p.Ile303= (NM_001114331.3).
Identifiers: ClinVar variation 1430535 (VCV001430535.8), dbSNP rs776917548, ClinGen allele CA7810502.